The following is an entry in ClinVar:

NM_018671.5(UNC45A):c.2645dup (p.Ala883fs)

Genes: RCCD1-AS1 (RCCD1 and UNC45A antisense RNA 1; minus strand), UNC45A (unc-45 myosin chaperone A; plus strand). Cytogenetic location: 15q26.1.
Variant type: Duplication.
Coding change: c.2645dup on transcript NM_018671.5 (MANE Select); coding-DNA position 2645, one base duplicated (G; older notation c.2645dupG).
Protein change: p.Ala883fs; shifts the reading frame from alanine 883.
Molecular consequence: frameshift variant.
Genome position (GRCh38, 1-based): chr15:90,953,526, G duplicated; the last of 4 consecutive G bases (chr15:90,953,523-90,953,526); duplicating any one gives the same sequence. VCF-style (leftmost placement, unchanged base first): chr15-90953522-C-CG. GRCh37 (hg19) VCF-style: chr15-91496752-C-CG.
Other names: c.2600dup, p.Ala868fs (NM_001039675.2, NM_001323621.2); c.2645dup, p.Ala883fs (NM_001323619.1); c.2210dup, p.Ala738fs (NM_001323620.2); short protein forms A883fs, A738fs, A868fs.
Identifiers: ClinVar variation 2179042 (VCV002179042.5), dbSNP rs745627109, ClinGen allele CA7743364.

ClinVar aggregate classification (germline): Conflicting classifications of pathogenicity. Review status: criteria provided, conflicting classifications (1 of 4 stars). 2 submissions from 2 submitters: Likely pathogenic (1); Uncertain significance (1). Last evaluated 2024-06-19.

Conditions:
Osteootohepatoenteric syndrome. Identifiers: MedGen C5543557, MONDO:0859164, OMIM 619377.

Submissions (2):

Fulgent Genetics
Classification: Likely pathogenic for Osteootohepatoenteric syndrome. Last evaluated: 2024-06-19. Review status: criteria provided, single submitter. Criteria: ACMG Guidelines, 2015. Collection method: clinical testing. Allele origin: germline.

Labcorp Genetics (formerly Invitae), Labcorp
Classification: Uncertain significance. Last evaluated: 2022-07-03. Review status: criteria provided, single submitter. Criteria: Invitae Variant Classification Sherloc (09022015). Collection method: clinical testing. Allele origin: germline.
Comment: This variant is present in population databases (rs745627109, gnomAD 0.002%). This sequence change creates a premature translational stop signal (p.Ala883Cysfs*22) in the UNC45A gene. While this is not anticipated to result in nonsense mediated decay, it is expected to disrupt the last 62 amino acid(s) of the UNC45A protein. This variant has not been reported in the literature in individuals affected with UNC45A-related conditions. In summary, the available evidence is currently insufficient to determine the role of this variant in disease. Therefore, it has been classified as a Variant of Uncertain Significance. Experimental studies and prediction algorithms are not available or were not evaluated, and the functional significance of this variant is currently unknown.